The following is an entry in ClinVar:

NM_000289.6(PFKM):c.1337_1338delinsCTTATGTTGTATGGA (p.Gly446fs)

Gene: PFKM (phosphofructokinase, muscle; plus strand). Cytogenetic location: 12q13.11.
Variant type: Indel.
Coding change: c.1337_1338delinsCTTATGTTGTATGGA on transcript NM_000289.6 (MANE Select); coding-DNA positions 1337 to 1338, GG replaced by CTTATGTTGTATGGA.
Protein change: p.Gly446fs; shifts the reading frame from glycine 446.
Molecular consequence: frameshift variant. On other transcripts: non-coding transcript variant (6).
Genome position (GRCh38, 1-based): chr12:48,140,867-48,140,868, GG replaced by CTTATGTTGTATGGA. VCF-style: chr12-48140867-GG-CTTATGTTGTATGGA. GRCh37 (hg19) VCF-style: chr12-48534650-GG-CTTATGTTGTATGGA.
Other names: c.1550_1551delinsCTTATGTTGTATGGA, p.Gly517fs (NM_001166686.2, NM_001354737.1, NM_001354738.1 and 1 more transcripts); c.1337_1338delinsCTTATGTTGTATGGA, p.Gly446fs (NM_001166687.2, NM_001166688.2, NM_001354742.2 and 2 more transcripts); c.1646_1647delinsCTTATGTTGTATGGA, p.Gly549fs (NM_001354735.1, NM_001354736.1); c.1481_1482delinsCTTATGTTGTATGGA, p.Gly494fs (NM_001354740.1); c.1361_1362delinsCTTATGTTGTATGGA, p.Gly454fs (NM_001354741.2); c.1250_1251delinsCTTATGTTGTATGGA, p.Gly417fs (NM_001354745.2); c.1211_1212delinsCTTATGTTGTATGGA, p.Gly404fs (NM_001354746.2); c.1187_1188delinsCTTATGTTGTATGGA, p.Gly396fs (NM_001354747.2, NM_001354748.2); and 2 more; short protein forms G396fs, G404fs, G415fs, G417fs, G446fs, G454fs, G486fs, G494fs.
Identifiers: ClinVar variation 5010691 (VCV005010691.1).

ClinVar aggregate classification (germline): Pathogenic (1 of 4 stars; one submission).

Conditions:
Glycogen storage disease, type VII (GSD7). Also called: GSD VII; MUSCLE PHOSPHOFRUCTOKINASE DEFICIENCY; PFKM DEFICIENCY; TARUI DISEASE. Identifiers: Orphanet 371, MedGen C0017926, MONDO:0009295, OMIM 232800.

Submission:

Myriad Genetics, Inc.
Classification: Pathogenic for Glycogen storage disease, type VII. Last evaluated: 2024-05-14. Review status: criteria provided, single submitter. Criteria: Myriad Autosomal Dominant, Autosomal Recessive and X-Linked Classification Criteria (2023). Collection method: clinical testing. Allele origin: unknown.
Comment: NM_001166686.1(PFKM):c.1550_1551del2ins15(G517Afs*25) is expected to be pathogenic in the context of glycogen storage disease, PFKM-related. This variant is predicted to lead to an abnormal or absent protein product due to the creation of a premature termination codon in PFKM, a gene where loss-of-function variants are known to be pathogenic. Please note: this variant was assessed in the context of healthy population screening.